The following is an entry in ClinVar:

NM_001112741.2(KCNC1):c.384C>G (p.Asp128Glu)

Gene: KCNC1 (potassium voltage-gated channel subfamily C member 1; plus strand). Cytogenetic location: 11p15.1.
Variant type: single nucleotide variant.
Coding change: c.384C>G on transcript NM_001112741.2 (MANE Select); coding-DNA position 384, C replaced by G.
Protein change: p.Asp128Glu; replaces aspartic acid 128 with glutamic acid.
Molecular consequence: missense variant.
Genome position (GRCh38, 1-based): chr11:17,736,386, C>G. VCF-style: chr11-17736386-C-G. GRCh37 (hg19) VCF-style: chr11-17757933-C-G.
Other names: c.384C>G, p.Asp128Glu (NM_004976.4); short protein forms D128E.
Identifiers: ClinVar variation 3625459 (VCV003625459.2).

ClinVar aggregate classification (germline): Uncertain significance (1 of 4 stars; one submission).

Conditions:
Progressive myoclonic epilepsy type 7. Identifiers: Orphanet 435438, MedGen C4015420, MONDO:0014521, OMIM 616187.

Submission:

Labcorp Genetics (formerly Invitae), Labcorp
Classification: Uncertain significance for Progressive myoclonic epilepsy type 7. Last evaluated: 2024-07-23. Review status: criteria provided, single submitter. Criteria: Invitae Variant Classification Sherloc (09022015). Collection method: clinical testing. Allele origin: germline.
Comment: This sequence change replaces aspartic acid, which is acidic and polar, with glutamic acid, which is acidic and polar, at codon 128 of the KCNC1 protein (p.Asp128Glu). This variant is not present in population databases (gnomAD no frequency). This variant has not been reported in the literature in individuals affected with KCNC1-related conditions. Advanced modeling of protein sequence and biophysical properties (such as structural, functional, and spatial information, amino acid conservation, physicochemical variation, residue mobility, and thermodynamic stability) performed at Invitae indicates that this missense variant is not expected to disrupt KCNC1 protein function with a negative predictive value of 95%. In summary, the available evidence is currently insufficient to determine the role of this variant in disease. Therefore, it has been classified as a Variant of Uncertain Significance.